The following is an entry in ClinVar:

NM_001377265.1(MAPT):c.1985C>T (p.Pro662Leu)

Gene: MAPT (microtubule associated protein tau). Cytogenetic location: 17q21.31.
Variant type: single nucleotide variant.
Coding change: c.1985C>T on transcript NM_001377265.1 (MANE Select); coding-DNA position 1985, C replaced by T.
Protein change: p.Pro662Leu; replaces proline 662 with leucine.
Molecular consequence: missense variant. On other transcripts: non-coding transcript variant (1).
Genome position (GRCh38, 1-based): chr17:45,996,651, C>T. VCF-style: chr17-45996651-C-T. GRCh37 (hg19) VCF-style: chr17-44074017-C-T.
Other names: c.1814C>T, p.Pro605Leu (NM_001123066.4); c.722C>T, p.Pro241Leu (NM_001123067.4, NM_001203251.2, NM_001377267.1); c.809C>T, p.Pro270Leu (NM_001203252.2, NM_005910.6); c.1787C>T, p.Pro596Leu (NM_001377266.1); c.635C>T, p.Pro212Leu (NM_001377268.1, NM_016834.5, NM_016841.5); c.1760C>T, p.Pro587Leu (NM_016835.5); short protein forms P212L, P241L, P270L, P587L, P605L, P596L, P662L.
Identifiers: ClinVar variation 966198 (VCV000966198.10), dbSNP rs1047467075, ClinGen allele CA291107190.

ClinVar aggregate classification (germline): Uncertain significance (1 of 4 stars; one submission).

Conditions:
Frontotemporal dementia (FTD1). Also called: WILHELMSEN-LYNCH DISEASE; MULTIPLE SYSTEM TAUOPATHY WITH PRESENILE DEMENTIA; FRONTOTEMPORAL LOBAR DEGENERATION WITH TAU INCLUSIONS; FTLD WITH TAU INCLUSIONS; Frontotemporal lobe dementia (FLDEM); Dementia, frontotemporal, with or without parkinsonism. Identifiers: Orphanet 282, MedGen C0338451, MONDO:0017276, OMIM 600274, HP:0002145.

Allele frequency attached by ClinVar (database versions not stated): gnomAD exomes below 0.00001; TOPMed below 0.00001; gnomAD 0.00001.
gnomAD v4.1: 4 of 1,613,668 alleles (0.00025%); highest among the groups gnomAD compares: Non-Finnish European, 0.00034%; no homozygotes.

Submission:

Labcorp Genetics (formerly Invitae), Labcorp
Classification: Uncertain significance for Frontotemporal dementia. Last evaluated: 2019-09-27. Review status: criteria provided, single submitter. Criteria: Invitae Variant Classification Sherloc (09022015). Collection method: clinical testing. Allele origin: germline.
Comment: Algorithms developed to predict the effect of missense changes on protein structure and function (SIFT, PolyPhen-2, Align-GVGD) all suggest that this variant is likely to be disruptive, but these predictions have not been confirmed by published functional studies and their clinical significance is uncertain. This variant has not been reported in the literature in individuals with MAPT-related conditions. This variant is not present in population databases (ExAC no frequency). This sequence change replaces proline with leucine at codon 270 of the MAPT protein (p.Pro270Leu). The proline residue is highly conserved and there is a moderate physicochemical difference between proline and leucine. In summary, the available evidence is currently insufficient to determine the role of this variant in disease. Therefore, it has been classified as a Variant of Uncertain Significance.